The following is an entry in ClinVar:

ClinVar aggregate classification (germline): Uncertain significance (1 of 4 stars; one submission).

Conditions:
Familial thoracic aortic aneurysm and aortic dissection (TAAD). Also called: Thoracic aortic aneurysms and dissections. Identifiers: Orphanet 91387, MedGen C4707243, MONDO:0019625.

Submission:

Ambry Genetics
Classification: Uncertain significance for Familial thoracic aortic aneurysm and aortic dissection. Last evaluated: 2025-07-21. Review status: criteria provided, single submitter. Criteria: Ambry Variant Classification Scheme 2023. Collection method: clinical testing. Allele origin: germline.
Comment: The p.R370G variant (also known as c.1108A>G), located in coding exon 4 of the TGFBR2 gene, results from an A to G substitution at nucleotide position 1108. The arginine at codon 370 is replaced by glycine, an amino acid with dissimilar properties. This amino acid position is conserved. In addition, this alteration is predicted to be deleterious by in silico analysis. Based on the available evidence, the clinical significance of this variant remains unclear.

NM_003242.6(TGFBR2):c.1108A>G (p.Arg370Gly)

Gene: TGFBR2 (transforming growth factor beta receptor 2; plus strand). Cytogenetic location: 3p24.1.
Variant type: single nucleotide variant.
Coding change: c.1108A>G on transcript NM_003242.6 (MANE Select); coding-DNA position 1108, A replaced by G.
Protein change: p.Arg370Gly; replaces arginine 370 with glycine.
Molecular consequence: missense variant. On other transcripts: intron variant (1).
Genome position (GRCh38, 1-based): chr3:30,672,291, A>G. VCF-style: chr3-30672291-A-G. GRCh37 (hg19) VCF-style: chr3-30713783-A-G.
Other names: c.1183A>G, p.Arg395Gly (NM_001024847.3); c.1291A>G, p.Arg431Gly (NM_001407126.1); c.1216A>G, p.Arg406Gly (NM_001407127.1); c.1135A>G, p.Arg379Gly (NM_001407128.1); c.1111A>G, p.Arg371Gly (NM_001407129.1); c.1108A>G, p.Arg370Gly (NM_001407130.1); c.1003A>G, p.Arg335Gly (NM_001407132.1, NM_001407133.1, NM_001407134.1 and 2 more transcripts); c.823A>G, p.Arg275Gly (NM_001407137.1); and 2 more; short protein forms R250G, R335G, R275G, R371G, R379G, R431G, R370G, R406G.
Identifiers: ClinVar variation 4183587 (VCV004183587.1).